The following is an entry in ClinVar:

NM_020207.7(ERCC6L2):c.752A>T (p.Tyr251Phe)

Gene: ERCC6L2 (ERCC excision repair 6 like 2; plus strand). Cytogenetic location: 9q22.32.
Variant type: single nucleotide variant.
Coding change: c.752A>T on transcript NM_020207.7 (MANE Select); coding-DNA position 752, A replaced by T.
Protein change: p.Tyr251Phe; replaces tyrosine 251 with phenylalanine.
Molecular consequence: missense variant. On other transcripts: non-coding transcript variant (1).
Genome position (GRCh38, 1-based): chr9:95,907,235, A>T. VCF-style: chr9-95907235-A-T. GRCh37 (hg19) VCF-style: chr9-98669517-A-T.
Other names: c.752A>T, p.Tyr251Phe (NM_001010895.4, NM_001375291.1, NM_001375292.1 and 2 more transcripts); short protein forms Y251F.
Identifiers: ClinVar variation 2772707 (VCV002772707.3), dbSNP rs1366454817, ClinGen allele CA374121140.
Genomic context (GRCh38, chr9:95,907,235, plus strand): 5'-GAAAAGATAATGAATTAATTCGTGTAAAGCAGAGGAAATGTGAAATTGCTCTAACAACTT[A>T]TGAAACACTACGCTTATGCCTGGATGAACTTAACAGGTAATGGGAATAATAGGAATAGGA-3'
Protein context (NP_064592.3, residues 241-261): QRKCEIALTT[Tyr251Phe]ETLRLCLDEL

ClinVar aggregate classification (germline): Uncertain significance (1 of 4 stars; one submission).

Allele frequency attached by ClinVar (database versions not stated): TOPMed below 0.00001.

Submission:

Labcorp Genetics (formerly Invitae), Labcorp
Classification: Uncertain significance. Last evaluated: 2023-10-29. Review status: criteria provided, single submitter. Criteria: Invitae Variant Classification Sherloc (09022015). Collection method: clinical testing. Allele origin: germline.
Comment: This sequence change replaces tyrosine, which is neutral and polar, with phenylalanine, which is neutral and non-polar, at codon 262 of the ERCC6L2 protein (p.Tyr262Phe). This variant is not present in population databases (gnomAD no frequency). This variant has not been reported in the literature in individuals affected with ERCC6L2-related conditions. Experimental studies and prediction algorithms are not available or were not evaluated, and the functional significance of this variant is currently unknown. In summary, the available evidence is currently insufficient to determine the role of this variant in disease. Therefore, it has been classified as a Variant of Uncertain Significance.